The following is an entry in ClinVar:

NM_000260.4(MYO7A):c.493A>G (p.Thr165Ala)

Gene: MYO7A (myosin VIIA; plus strand). Cytogenetic location: 11q13.5.
Variant type: single nucleotide variant.
Coding change: c.493A>G on transcript NM_000260.4 (MANE Select); coding-DNA position 493, A replaced by G.
Protein change: p.Thr165Ala; replaces threonine 165 with alanine.
Molecular consequence: missense variant.
Genome position (GRCh38, 1-based): chr11:77,156,682, A>G. VCF-style: chr11-77156682-A-G. GRCh37 (hg19) VCF-style: chr11-76867728-A-G.
Other names: c.493A>G, p.Thr165Ala (NM_001127180.2); c.460A>G, p.Thr154Ala (NM_001369365.1); short protein forms T154A, T165A.
Identifiers: ClinVar variation 4058172 (VCV004058172.2).

ClinVar aggregate classification (germline): Likely pathogenic (1 of 4 stars; one submission).

Conditions:
Usher syndrome type 1B (USH1B). Also called: Usher syndrome type IB. Identifiers: MedGen C1848638, MONDO:0700087.

Submission:

Natera, Inc.
Classification: Likely pathogenic for Usher syndrome type 1B. Last evaluated: 2025-03-20. Review status: criteria provided, single submitter. Criteria: Natera Variant Classification Schema (03/2026). Collection method: clinical testing. Allele origin: germline.
Comment: The c.493A>G variant in MYO7A is a missense variant predicted to cause substitution of threonine to alanine at amino acid 165. This variant is rare in the general population with a frequency below the threshold expected for the associated phenotype(s). This variant has been observed in one or more individuals affected with the associated recessive disease, as either homozygous or compound heterozygous with a second variant (PMID: 21436283, 34948090). A different variant at the same position has been determined to be Pathogenic or Likely Pathogenic. Computational prediction algorithms indicate this variant is likely to affect gene or protein function. Given the available evidence, this variant is classified as Likely Pathogenic.

Literature cited by the submitters: PubMed 21436283; PubMed 34948090.